The following is an entry in ClinVar:

ClinVar aggregate classification (germline): Uncertain significance (1 of 4 stars; one submission).

Conditions:
Inborn genetic diseases. Identifiers: MedGen C0950123, MeSH D030342.

Allele frequency attached by ClinVar (database versions not stated): gnomAD exomes below 0.00001; TOPMed below 0.00001.
gnomAD v4.1: 5 of 1,613,926 alleles (0.00031%); highest among the groups gnomAD compares: Non-Finnish European, 0.00017%; no homozygotes.

Submission:

Ambry Genetics
Classification: Uncertain significance for Inborn genetic diseases. Last evaluated: 2021-08-20. Review status: criteria provided, single submitter. Criteria: Ambry Variant Classification Scheme 2023. Collection method: clinical testing. Allele origin: germline.
Comment: The p.G1205V variant (also known as c.3614G>T), located in coding exon 10 of the WNK1 gene, results from a G to T substitution at nucleotide position 3614. The glycine at codon 1205 is replaced by valine, an amino acid with dissimilar properties. This amino acid position is well conserved in available vertebrate species. In addition, this alteration is predicted to be tolerated by in silico analysis. Since supporting evidence is limited at this time, the clinical significance of this alteration remains unclear.

NM_213655.5(WNK1):c.3614G>T (p.Gly1205Val)

Gene: WNK1 (WNK lysine deficient protein kinase 1; plus strand). Cytogenetic location: 12p13.33.
Variant type: single nucleotide variant.
Coding change: c.3614G>T on transcript NM_213655.5 (MANE Plus Clinical); coding-DNA position 3614, G replaced by T.
Protein change: p.Gly1205Val; replaces glycine 1205 with valine.
Molecular consequence: missense variant. On other transcripts: intron variant (2).
Genome position (GRCh38, 1-based): chr12:869,085, G>T. VCF-style: chr12-869085-G-T. GRCh37 (hg19) VCF-style: chr12-978251-G-T.
Other names: c.3359G>T, p.Gly1120Val (NM_001184985.2); c.2140-2180G>T (NM_018979.4, NM_014823.3); short protein forms G1205V, G1120V.
Identifiers: ClinVar variation 1733264 (VCV001733264.2), dbSNP rs1236055095, ClinGen allele CA383342481.